The following is an entry in ClinVar:

ClinVar aggregate classification (germline): Likely benign. Review status: criteria provided, multiple submitters, no conflicts (2 of 4 stars). 3 submissions from 3 submitters: Likely benign (3). Last evaluated 2025-07-13.

Conditions:
Cardiovascular phenotype. Identifiers: MedGen CN230736.
Hypercholesterolemia, autosomal dominant, 3 (FHCL3). Also called: Familial hypercholesterolemia 3; Familial Hypercholesterolemia, Autosomal Dominant, 3; PCSK9-Related Familial Hypercholesterolemia, Autosomal Dominant. Identifiers: MedGen C1863551, MONDO:0011369, OMIM 603776.

Allele frequency attached by ClinVar (database versions not stated): TOPMed below 0.00001.
gnomAD v4.1: 1 of 1,610,296 alleles (0.000062%); highest among the groups gnomAD compares: Non-Finnish European, 0.000085%; no homozygotes.

Submissions (3):

Ambry Genetics
Classification: Likely benign for Cardiovascular phenotype. Last evaluated: 2025-07-13. Review status: criteria provided, single submitter. Criteria: Ambry Variant Classification Scheme 2023. Collection method: clinical testing. Allele origin: germline.

All of Us Research Program, National Institutes of Health
Classification: Likely benign for Hypercholesterolemia, autosomal dominant, 3. Last evaluated: 2024-04-25. Review status: criteria provided, single submitter. Criteria: ACMG Guidelines, 2015. Collection method: clinical testing. Allele origin: germline. Inheritance: Autosomal dominant inheritance. Observed: 1 variant allele, 1 heterozygote.
Comment: This study involves interpretation of variants in research participants for the purpose of population health screening. Participant phenotype was not available at the time of variant classification. Additional details can be found in publication PMID: 35346344, PMCID: PMC8962531

Labcorp Genetics (formerly Invitae), Labcorp
Classification: Likely benign for Hypercholesterolemia, autosomal dominant, 3. Last evaluated: 2023-10-11. Review status: criteria provided, single submitter. Criteria: Invitae Variant Classification Sherloc (09022015). Collection method: clinical testing. Allele origin: germline.

NM_174936.4(PCSK9):c.1716C>T (p.Gly572=)

Gene: PCSK9 (proprotein convertase subtilisin/kexin type 9; plus strand). Cytogenetic location: 1p32.3.
Variant type: single nucleotide variant.
Coding change: c.1716C>T on transcript NM_174936.4 (MANE Select); coding-DNA position 1716, C replaced by T.
Protein change: p.Gly572=; no amino-acid change (glycine 572 retained).
Molecular consequence: synonymous variant. On other transcripts: non-coding transcript variant (8).
Genome position (GRCh38, 1-based): chr1:55,061,409, C>T. VCF-style: chr1-55061409-C-T. GRCh37 (hg19) VCF-style: chr1-55527082-C-T.
Other names: c.1839C>T, p.Gly613= (NM_001407240.1); c.1758C>T, p.Gly586= (NM_001407241.1); c.1719C>T, p.Gly573= (NM_001407242.1); c.1659C>T, p.Gly553= (NM_001407243.1); c.1542C>T, p.Gly514= (NM_001407244.1); c.1524C>T, p.Gly508= (NM_001407245.1); c.1341C>T, p.Gly447= (NM_001407246.1); c.1215C>T, p.Gly405= (NM_001407247.1).
Identifiers: ClinVar variation 3017083 (VCV003017083.5), dbSNP rs1199519345, ClinGen allele CA417960492.
Genomic context (GRCh38, chr1:55,061,409, plus strand): 5'-TCTGAGCTGGCTTTCCTCTGCCCCAGGCTGCAGCTCCCACTGGGAGGTGGAGGACCTTGG[C>T]ACCCACAAGCCGCCTGTGCTGAGGCCACGAGGTCAGCCCAACCAGTGCGTGGGCCACAGG-3'
Protein context (NP_777596.2, residues 562-582): CSSHWEVEDL[Gly572=]THKPPVLRPR